The following is an entry in ClinVar:

NM_001127511.3(APC):c.165+28770A>C

Gene: APC (APC regulator of Wnt signaling pathway; plus strand). Cytogenetic location: 5q22.2.
Variant type: single nucleotide variant.
Coding change: c.165+28770A>C on transcript NM_001127511.3; 28770 bases into the intron after coding-DNA position 165, A replaced by C.
Molecular consequence: intron variant.
Genome position (GRCh38, 1-based): chr5:112,736,652, A>C. VCF-style: chr5-112736652-A-C. GRCh37 (hg19) VCF-style: chr5-112072349-A-C.
Other names: c.-1053-18221A>C (NM_001407470.1, NM_001407472.1); c.-18-18221A>C (NM_001407447.1, NM_001354895.2, NM_001407456.1 and 7 more transcripts); c.165+28770A>C (NM_001407446.1, NM_001354897.2, NM_001354902.2); c.-43+29003A>C (NM_001407453.1).
Identifiers: ClinVar variation 82323 (VCV000082323.4), dbSNP rs74340362, ClinGen allele CA023629.

ClinVar aggregate classification (germline): other (0 of 4 stars; one submission).

Conditions:
Familial colorectal cancer. Identifiers: MedGen CN280943, MONDO:0023113. Disease mechanism: loss of function.

Submission:

Systems Biology Platform Zhejiang California International NanoSystems Institute
Classification: other for Familial colorectal cancer. Review status: no assertion criteria provided. Collection method: not provided. Allele origin: unknown.
ClinVar note: Converted during submission from cancer to other.